The following is an entry in ClinVar:

ClinVar aggregate classification (germline): Likely benign (1 of 4 stars; one submission).

Conditions:
TP53BP1-related disorder. Also called: TP53BP1-related condition.

gnomAD v4.1: 26 of 1,605,294 alleles (0.0016%); highest among the groups gnomAD compares: Admixed American, 0.028%; no homozygotes.

Submission:

PreventionGenetics, part of Exact Sciences
Classification: Likely benign for TP53BP1-related condition. Last evaluated: 2026-07-23. Review status: criteria provided, single submitter. Criteria: ACMG Guidelines, 2015. Collection method: clinical testing. Allele origin: germline.
Comment: This variant is classified as likely benign based on ACMG/AMP sequence variant interpretation guidelines (Richards et al. 2015 PMID: 25741868, with internal and published modifications).

NM_001141980.3(TP53BP1):c.371+8G>C

Gene: TP53BP1 (tumor protein p53 binding protein 1; minus strand). Cytogenetic location: 15q15.3.
Variant type: single nucleotide variant.
Coding change: c.371+8G>C on transcript NM_001141980.3 (MANE Select); 8 bases into the intron after coding-DNA position 371, G replaced by C.
Molecular consequence: intron variant.
Genome position (GRCh38, 1-based): chr15:43,491,661, C>G on the plus strand (G>C on the coding strand, the complement: TP53BP1 is on the minus strand). VCF-style: chr15-43491661-C-G. GRCh37 (hg19) VCF-style: chr15-43783859-C-G.
Other names: c.356+8G>C (NM_005657.4); c.371+8G>C (NM_001411050.1, NM_001141979.3); c.-2659+8G>C (NM_001355001.2).
Identifiers: ClinVar variation 4978444 (VCV004978444.1).
Genomic context (GRCh38, chr15:43,491,661, plus strand): 5'-GCAACAGGTACAGATAAAAGAACAAATCTGATAATACATTTAAATAAACCCCTTCAAACA[C>G]TGTATACCTGCTTGTCCTGTTTGGCTGAGGTAACTGCTCAATGACCTGACTGATGGAACC-3'